The following is an entry in ClinVar:

NM_000384.3(APOB):c.6723T>A (p.Ser2241Arg)

Gene: APOB (apolipoprotein B; minus strand). Cytogenetic location: 2p24.1.
Variant type: single nucleotide variant.
Coding change: c.6723T>A on transcript NM_000384.3 (MANE Select); coding-DNA position 6723, T replaced by A.
Protein change: p.Ser2241Arg; replaces serine 2241 with arginine.
Molecular consequence: missense variant.
Genome position (GRCh38, 1-based): chr2:21,010,145, A>T on the plus strand (T>A on the coding strand, the complement: APOB is on the minus strand). VCF-style: chr2-21010145-A-T. GRCh37 (hg19) VCF-style: chr2-21233017-A-T.
Other names: short protein forms S2241R.
Identifiers: ClinVar variation 5027799 (VCV005027799.1).

ClinVar aggregate classification (germline): Uncertain significance (1 of 4 stars; one submission).

Conditions:
Cardiovascular phenotype. Identifiers: MedGen CN230736.

Submission:

Ambry Genetics
Classification: Uncertain significance for Cardiovascular phenotype. Last evaluated: 2026-07-31. Review status: criteria provided, single submitter. Criteria: Ambry Variant Classification Scheme 2023. Collection method: clinical testing. Allele origin: germline.
Comment: The p.S2241R variant (also known as c.6723T>A), located in coding exon 26 of the APOB gene, results from a T to A substitution at nucleotide position 6723. The serine at codon 2241 is replaced by arginine, an amino acid with dissimilar properties. This amino acid position is conserved. In addition, this alteration is predicted to be tolerated by in silico analysis. Based on the available evidence, the clinical significance of this variant remains unclear.